The following is an entry in ClinVar:

ClinVar aggregate classification (germline): Benign. Review status: criteria provided, multiple submitters, no conflicts (2 of 4 stars). 3 submissions from 3 submitters: Benign (2). 1 of the submissions does not count toward it. Last evaluated 2019-12-31.

Conditions:
SRGAP1-related disorder. Also called: SRGAP1-related condition.

Allele frequency attached by ClinVar (database versions not stated): gnomAD exomes 0.00028 and 0.00069; ExAC 0.00095; gnomAD 0.00303 and 0.00325; TOPMed 0.00342; ESP Exome Variant Server 0.00369; 1000 Genomes Project 0.00379; 1000 Genomes Project 30x 0.00390.
gnomAD v4.1: 881 of 1,612,792 alleles (0.055%); highest among the groups gnomAD compares: African/African-American, 1%; 5 homozygotes.

Submissions (3):

Labcorp Genetics (formerly Invitae), Labcorp
Classification: Benign. Last evaluated: 2019-12-31. Review status: criteria provided, single submitter. Criteria: Invitae Variant Classification Sherloc (09022015). Collection method: clinical testing. Allele origin: germline.

Breakthrough Genomics
Classification: Benign. Review status: criteria provided, single submitter. Criteria: ACMG Guidelines, 2015. Collection method: not provided. Allele origin: germline. Inheritance: Autosomal dominant inheritance. Affected: yes.

PreventionGenetics, part of Exact Sciences
Classification: Benign for SRGAP1-related condition. Last evaluated: 2019-07-24. Review status: no assertion criteria provided. Collection method: clinical testing. Allele origin: germline. Not counted in ClinVar's aggregate classification.
Comment: This variant is classified as benign based on ACMG/AMP sequence variant interpretation guidelines (Richards et al. 2015 PMID: 25741868, with internal and published modifications).

NM_020762.4(SRGAP1):c.1113C>T (p.Ile371=)

Gene: SRGAP1 (SLIT-ROBO Rho GTPase activating protein 1; plus strand). Cytogenetic location: 12q14.2.
Variant type: single nucleotide variant.
Coding change: c.1113C>T on transcript NM_020762.4 (MANE Select); coding-DNA position 1113, C replaced by T.
Protein change: p.Ile371=; no amino-acid change (isoleucine 371 retained).
Molecular consequence: synonymous variant.
Genome position (GRCh38, 1-based): chr12:64,065,207, C>T. VCF-style: chr12-64065207-C-T. GRCh37 (hg19) VCF-style: chr12-64458987-C-T.
Other names: c.1113C>T, p.Ile371= (NM_001346201.2); c.1113C>T (NM_020762.3).
Identifiers: ClinVar variation 710135 (VCV000710135.7), dbSNP rs112908570, ClinGen allele CA6666547.